The following is an entry in ClinVar:

ClinVar aggregate classification (germline): Uncertain significance (1 of 4 stars; one submission).

Conditions:
Familial cancer of breast. Also called: Hereditary breast cancer; BREAST CANCER, FAMILIAL; hereditary breast carcinoma. Identifiers: Orphanet 227535, MedGen C0346153, MONDO:0016419, OMIM 114480. Disease mechanism: loss of function.

Submission:

Labcorp Genetics (formerly Invitae), Labcorp
Classification: Uncertain significance for Familial cancer of breast. Last evaluated: 2024-04-30. Review status: criteria provided, single submitter. Criteria: Invitae Variant Classification Sherloc (09022015). Collection method: clinical testing. Allele origin: germline.
Comment: This sequence change replaces glutamine, which is neutral and polar, with leucine, which is neutral and non-polar, at codon 559 of the PALB2 protein (p.Gln559Leu). This variant is not present in population databases (gnomAD no frequency). This variant has not been reported in the literature in individuals affected with PALB2-related conditions. ClinVar contains an entry for this variant (Variation ID: 2096498). Advanced modeling of protein sequence and biophysical properties (such as structural, functional, and spatial information, amino acid conservation, physicochemical variation, residue mobility, and thermodynamic stability) performed at Invitae indicates that this missense variant is not expected to disrupt PALB2 protein function with a negative predictive value of 80%. In summary, the available evidence is currently insufficient to determine the role of this variant in disease. Therefore, it has been classified as a Variant of Uncertain Significance.

NM_024675.4(PALB2):c.1676A>T (p.Gln559Leu)

Gene: PALB2 (partner and localizer of BRCA2; minus strand). Cytogenetic location: 16p12.2.
Variant type: single nucleotide variant.
Coding change: c.1676A>T on transcript NM_024675.4 (MANE Select); coding-DNA position 1676, A replaced by T.
Protein change: p.Gln559Leu; replaces glutamine 559 with leucine.
Molecular consequence: missense variant.
Genome position (GRCh38, 1-based): chr16:23,634,870, T>A on the plus strand (A>T on the coding strand, the complement: PALB2 is on the minus strand). VCF-style: chr16-23634870-T-A. GRCh37 (hg19) VCF-style: chr16-23646191-T-A.
Other names: c.1616A>T, p.Gln539Leu (NM_001407296.1); c.1676A>T, p.Gln559Leu (NM_001407297.1, NM_001407298.1, NM_001407299.1 and 3 more transcripts); c.791A>T, p.Gln264Leu (NM_001407304.1, NM_001407305.1, NM_001407306.1 and 5 more transcripts); short protein forms Q264L, Q559L, Q539L.
Identifiers: ClinVar variation 2096498 (VCV002096498.4), dbSNP rs152451, ClinGen allele CA279497962.
Genomic context (GRCh38, chr16:23,634,870, plus strand): 5'-ATTGTTAACTTTCATCATCATCATCATCATCATCAAACACATCTTGATTTACCTTTCACT[T>A]GAATAAATAATTTTTCGTGCTGATATTTGTGTGAGGTGACTTCTTCCTTGGACCTGTTAA-3'
Protein context (NP_078951.2, residues 549-569): HKYQHEKLFI[Gln559Leu]VKGKKSRHQK